The following is an entry in ClinVar:

ClinVar aggregate classification (germline): Pathogenic/Likely pathogenic. Review status: criteria provided, multiple submitters, no conflicts (2 of 4 stars). 2 submissions from 2 submitters: Pathogenic (1); Likely pathogenic (1). Last evaluated 2024-02-17.

Conditions:
MPI-congenital disorder of glycosylation. Also called: CONGENITAL DISORDER OF GLYCOSYLATION, TYPE Ib; CDG Ib; MPI-CDG; MPI DEFICIENCY; MANNOSEPHOSPHATE ISOMERASE DEFICIENCY; PROTEIN-LOSING ENTEROPATHY-HEPATIC FIBROSIS SYNDROME. Identifiers: Orphanet 79319, MedGen C1865145, MONDO:0011257, OMIM 602579.

Submissions (2):

Baylor Genetics
Classification: Likely pathogenic for MPI-congenital disorder of glycosylation. Last evaluated: 2024-02-17. Review status: criteria provided, single submitter. Criteria: ACMG Guidelines, 2015. Collection method: clinical testing. Allele origin: unknown.

Labcorp Genetics (formerly Invitae), Labcorp
Classification: Pathogenic for MPI-congenital disorder of glycosylation. Last evaluated: 2022-12-02. Review status: criteria provided, single submitter. Criteria: Invitae Variant Classification Sherloc (09022015). Collection method: clinical testing. Allele origin: germline.
Comment: For these reasons, this variant has been classified as Pathogenic. This variant disrupts a region of the MPI protein in which other variant(s) (p.Ile398Thr) have been determined to be pathogenic (PMID: 10484808, 30545931). This suggests that this is a clinically significant region of the protein, and that variants that disrupt it are likely to be disease-causing. This variant has not been reported in the literature in individuals affected with MPI-related conditions. This variant is not present in population databases (gnomAD no frequency). This sequence change creates a premature translational stop signal (p.Leu335Thrfs*15) in the MPI gene. While this is not anticipated to result in nonsense mediated decay, it is expected to disrupt the last 89 amino acid(s) of the MPI protein.

Literature cited by the submitters: PubMed 10484808 (cited by Labcorp Genetics (formerly Invitae), Labcorp); PubMed 30545931 (cited by Labcorp Genetics (formerly Invitae), Labcorp).

NM_002435.3(MPI):c.1001_1002dup (p.Leu335fs)

Gene: MPI (mannose phosphate isomerase; plus strand). Cytogenetic location: 15q24.1.
Variant type: Duplication.
Coding change: c.1001_1002dup on transcript NM_002435.3 (MANE Select); coding-DNA positions 1001 to 1002, 2 bases duplicated (AC; older notation c.1001_1002dupAC).
Protein change: p.Leu335fs; shifts the reading frame from leucine 335.
Molecular consequence: frameshift variant. On other transcripts: intron variant (1).
Genome position (GRCh38, 1-based): chr15:74,897,167-74,897,168, AC duplicated. VCF-style (leftmost placement, unchanged base first): chr15-74897166-T-TAC. GRCh37 (hg19) VCF-style: chr15-75189507-T-TAC.
Other names: c.851_852dup, p.Leu285fs (NM_001289156.2); c.818_819dup, p.Leu274fs (NM_001289157.2); c.941_942dup, p.Leu315fs (NM_001330372.2); c.845-345_845-344dup (NM_001289155.2); short protein forms L335fs, L285fs, L315fs, L274fs.
Identifiers: ClinVar variation 2817912 (VCV002817912.4), dbSNP rs2505829401, ClinGen allele CA2739269591.